The following is an entry in ClinVar:

NM_020928.2(ZSWIM6):c.219C>T (p.Ser73=)

Gene: ZSWIM6 (zinc finger SWIM-type containing 6; plus strand). Cytogenetic location: 5q12.1.
Variant type: single nucleotide variant.
Coding change: c.219C>T on transcript NM_020928.2 (MANE Select); coding-DNA position 219, C replaced by T.
Protein change: p.Ser73=; no amino-acid change (serine 73 retained).
Molecular consequence: synonymous variant.
Genome position (GRCh38, 1-based): chr5:61,332,491, C>T. VCF-style: chr5-61332491-C-T. GRCh37 (hg19) VCF-style: chr5-60628318-C-T.
Identifiers: ClinVar variation 3030893 (VCV003030893.2), dbSNP rs1460862071, ClinGen allele CA444673948.

ClinVar aggregate classification (germline): Likely benign (0 of 4 stars; one submission).

Conditions:
ZSWIM6-related disorder. Also called: ZSWIM6-related condition.

Allele frequency attached by ClinVar (database versions not stated): TOPMed below 0.00001; gnomAD 0.00001.
gnomAD v4.1: 2 of 1,256,774 alleles (0.00016%); highest among the groups gnomAD compares: Non-Finnish European, 0.00021%; no homozygotes.

Submission:

PreventionGenetics, part of Exact Sciences
Classification: Likely benign for ZSWIM6-related condition. Last evaluated: 2020-11-17. Review status: no assertion criteria provided. Collection method: clinical testing. Allele origin: germline.
Comment: This variant is classified as likely benign based on ACMG/AMP sequence variant interpretation guidelines (Richards et al. 2015 PMID: 25741868, with internal and published modifications).